The following is an entry in ClinVar:

NM_022367.4(SEMA4A):c.1395C>A (p.Asp465Glu)

Gene: SEMA4A (semaphorin 4A; plus strand). Cytogenetic location: 1q22.
Variant type: single nucleotide variant.
Coding change: c.1395C>A on transcript NM_022367.4 (MANE Select); coding-DNA position 1395, C replaced by A.
Protein change: p.Asp465Glu; replaces aspartic acid 465 with glutamic acid.
Molecular consequence: missense variant.
Genome position (GRCh38, 1-based): chr1:156,174,901, C>A. VCF-style: chr1-156174901-C-A. GRCh37 (hg19) VCF-style: chr1-156144692-C-A.
Other names: c.1395C>A, p.Asp465Glu (NM_001193300.2, NM_001193301.2, NM_001370567.1); c.999C>A, p.Asp333Glu (NM_001193302.2); c.1098C>A, p.Asp366Glu (NM_001370568.1); c.888C>A, p.Asp296Glu (NM_001370569.1, NM_001370571.1); short protein forms D333E, D465E, D296E, D366E.
Identifiers: ClinVar variation 1913492 (VCV001913492.5), dbSNP rs143794631, ClinGen allele CA1155350.

ClinVar aggregate classification (germline): Uncertain significance (1 of 4 stars; one submission).

Allele frequency attached by ClinVar (database versions not stated): ExAC 0.00001; 1000 Genomes Project 0.00020; 1000 Genomes Project 30x 0.00031.

Submission:

Labcorp Genetics (formerly Invitae), Labcorp
Classification: Uncertain significance. Last evaluated: 2023-08-05. Review status: criteria provided, single submitter. Criteria: Invitae Variant Classification Sherloc (09022015). Collection method: clinical testing. Allele origin: germline.
Comment: In summary, the available evidence is currently insufficient to determine the role of this variant in disease. Therefore, it has been classified as a Variant of Uncertain Significance. Advanced modeling of protein sequence and biophysical properties (such as structural, functional, and spatial information, amino acid conservation, physicochemical variation, residue mobility, and thermodynamic stability) performed at Invitae indicates that this missense variant is not expected to disrupt SEMA4A protein function. ClinVar contains an entry for this variant (Variation ID: 1913492). This variant has not been reported in the literature in individuals affected with SEMA4A-related conditions. This variant is present in population databases (rs143794631, gnomAD 0.003%). This sequence change replaces aspartic acid, which is acidic and polar, with glutamic acid, which is acidic and polar, at codon 465 of the SEMA4A protein (p.Asp465Glu).